The following is an entry in ClinVar:

NM_000384.3(APOB):c.12331A>G (p.Asn4111Asp)

Gene: APOB (apolipoprotein B; minus strand). Cytogenetic location: 2p24.1.
Variant type: single nucleotide variant.
Coding change: c.12331A>G on transcript NM_000384.3 (MANE Select); coding-DNA position 12331, A replaced by G.
Protein change: p.Asn4111Asp; replaces asparagine 4111 with aspartic acid.
Molecular consequence: missense variant.
Genome position (GRCh38, 1-based): chr2:21,003,091, T>C on the plus strand (A>G on the coding strand, the complement: APOB is on the minus strand). VCF-style: chr2-21003091-T-C. GRCh37 (hg19) VCF-style: chr2-21225963-T-C.
Other names: short protein forms N4111D.
Identifiers: ClinVar variation 5027839 (VCV005027839.1).
Genomic context (GRCh38, chr2:21,003,091, plus strand): 5'-GGAACCTCACGTCGATATCATCAATTTGCCTAATGGCCCCTTGATAAACCCACTCAGCAT[T>C]GTTCTGCAGATTTCTTCTCAGCTTTGAAGACACTTCTCTCAGGGTGAGCCCTGTGTGTTC-3'
Protein context (NP_000375.3, residues 4101-4121): SSKLRRNLQN[Asn4111Asp]AEWVYQGAIR

ClinVar aggregate classification (germline): Uncertain significance (1 of 4 stars; one submission).

Conditions:
Cardiovascular phenotype. Identifiers: MedGen CN230736.

Submission:

Ambry Genetics
Classification: Uncertain significance for Cardiovascular phenotype. Last evaluated: 2026-08-08. Review status: criteria provided, single submitter. Criteria: Ambry Variant Classification Scheme 2023. Collection method: clinical testing. Allele origin: germline.
Comment: The p.N4111D variant (also known as c.12331A>G), located in coding exon 29 of the APOB gene, results from an A to G substitution at nucleotide position 12331. The asparagine at codon 4111 is replaced by aspartic acid, an amino acid with highly similar properties. This amino acid position is conserved. In addition, this alteration is predicted to be tolerated by in silico analysis. Based on the available evidence, the clinical significance of this variant remains unclear.